The following is an entry in ClinVar:

ClinVar aggregate classification (germline): Benign/Likely benign. Review status: criteria provided, multiple submitters, no conflicts (2 of 4 stars). 3 submissions from 3 submitters: Benign (1); Likely benign (2). Last evaluated 2025-02-19.

Conditions:
Hereditary cancer-predisposing syndrome. Also called: Hereditary Cancer Syndrome; Neoplastic Syndromes, Hereditary; Hereditary neoplastic syndrome; Tumor predisposition. Identifiers: Orphanet 140162, MedGen C0027672, MeSH D009386, MONDO:0015356.
Fanconi anemia complementation group O. Also called: RAD51C-Related Fanconi Anemia. Identifiers: Orphanet 84, MedGen C3150653, MONDO:0013248, OMIM 613390.
Breast-ovarian cancer, familial, susceptibility to, 3. Also called: RAD51C-Related Breast/Ovarian Cancer. Identifiers: Orphanet 145, MedGen C3150659, MONDO:0013253, OMIM 613399.

Submissions (3):

Myriad Genetics, Inc.
Classification: Benign for Breast-ovarian cancer, familial, susceptibility to, 3. Last evaluated: 2025-02-19. Review status: criteria provided, single submitter. Criteria: Myriad Autosomal Dominant, Autosomal Recessive and X-Linked Classification Criteria (2023). Collection method: clinical testing. Allele origin: unknown.
Comment: This variant is considered benign. This variant is a silent/synonymous amino acid change and it is not expected to impact splicing.

Labcorp Genetics (formerly Invitae), Labcorp
Classification: Likely benign for Fanconi anemia complementation group O. Last evaluated: 2024-01-21. Review status: criteria provided, single submitter. Criteria: Invitae Variant Classification Sherloc (09022015). Collection method: clinical testing. Allele origin: germline.

Ambry Genetics
Classification: Likely benign for Hereditary cancer-predisposing syndrome. Last evaluated: 2019-09-22. Review status: criteria provided, single submitter. Criteria: Ambry Variant Classification Scheme 2023. Collection method: clinical testing. Allele origin: germline.

NM_058216.3(RAD51C):c.1110A>T (p.Arg370=)

Gene: RAD51C (RAD51 paralog C; plus strand). Cytogenetic location: 17q22.
Variant type: single nucleotide variant.
Coding change: c.1110A>T on transcript NM_058216.3 (MANE Select); coding-DNA position 1110, A replaced by T.
Protein change: p.Arg370=; no amino-acid change (arginine 370 retained).
Molecular consequence: synonymous variant. On other transcripts: non-coding transcript variant (1).
Genome position (GRCh38, 1-based): chr17:58,734,201, A>T. VCF-style: chr17-58734201-A-T. GRCh37 (hg19) VCF-style: chr17-56811562-A-T.
Identifiers: ClinVar variation 822184 (VCV000822184.14), dbSNP rs1567818815, ClinGen allele CA501076218.